The following is an entry in ClinVar:

NM_058216.3(RAD51C):c.24T>A (p.Phe8Leu)

Gene: RAD51C (RAD51 paralog C; plus strand). Cytogenetic location: 17q22.
Variant type: single nucleotide variant.
Coding change: c.24T>A on transcript NM_058216.3 (MANE Select); coding-DNA position 24, T replaced by A.
Protein change: p.Phe8Leu; replaces phenylalanine 8 with leucine.
Molecular consequence: missense variant. On other transcripts: non-coding transcript variant (2).
Genome position (GRCh38, 1-based): chr17:58,692,667, T>A. VCF-style: chr17-58692667-T-A. GRCh37 (hg19) VCF-style: chr17-56770028-T-A.
Other names: c.24T>A, p.Phe8Leu (NM_002876.4); short protein forms F8L.
Identifiers: ClinVar variation 142757 (VCV000142757.20), dbSNP rs587782698, ClinGen allele CA169336.
Genomic context (GRCh38, chr17:58,692,667, plus strand): 5'-GAGTTTGGCTGCTCCGGGGTTAGCAGGTGAGCCTGCGATGCGCGGGAAGACGTTCCGCTT[T>A]GAAATGCAGCGGGATTTGGTGAGTTTCCCGCTGTCTCCAGCGGTGCGGGTGAAGCTGGTG-3'
Protein context (NP_478123.1, residues 1-18): MRGKTFR[Phe8Leu]EMQRDLVSFP

ClinVar aggregate classification (germline): Conflicting classifications of pathogenicity. Review status: criteria provided, conflicting classifications (1 of 4 stars). 4 submissions from 4 submitters: Uncertain significance (3); Benign (1). Last evaluated 2026-05-26.

Conditions:
Hereditary cancer-predisposing syndrome. Also called: Hereditary neoplastic syndrome; Hereditary Cancer Syndrome; Neoplastic Syndromes, Hereditary; Tumor predisposition. Identifiers: Orphanet 140162, MedGen C0027672, MeSH D009386, MONDO:0015356.
Fanconi anemia complementation group O. Also called: RAD51C-Related Fanconi Anemia. Identifiers: Orphanet 84, MedGen C3150653, MONDO:0013248, OMIM 613390.

Allele frequency attached by ClinVar (database versions not stated): gnomAD exomes below 0.00001.
gnomAD v4.1: 2 of 1,614,220 alleles (0.00012%); highest among the groups gnomAD compares: Non-Finnish European, 0.00017%; no homozygotes.

Submissions (4):

Women's Health and Genetics/Laboratory Corporation of America, LabCorp
Classification: Uncertain significance. Last evaluated: 2026-05-26. Review status: criteria provided, single submitter. Criteria: LabCorp Variant Classification Summary - May 2015. Collection method: clinical testing. Allele origin: germline.
Comment: Variant summary: RAD51C c.24T>A (p.Phe8Leu) results in a non-conservative amino acid change in the encoded protein sequence. Algorithms developed to predict the effect of missense changes on protein structure and function are either unavailable or do not agree on the potential impact of this missense change. The variant was absent in 251434 control chromosomes. The available data on variant occurrences in the general population are insufficient to allow any conclusion about variant significance. To our knowledge, no occurrence of c.24T>A in individuals affected with RAD51C-related conditions has been reported. At least one publication reports experimental evidence evaluating an impact on protein function, however, does not allow convincing conclusions about the variant effect (Oberg_2016). The following publication has been ascertained in the context of this evaluation (PMID: 28007021). ClinVar contains an entry for this variant (Variation ID: 142757). Based on the evidence outlined above, the variant was classified as uncertain significance.

Ambry Genetics
Classification: Benign for Hereditary cancer-predisposing syndrome. Last evaluated: 2025-10-24. Review status: criteria provided, single submitter. Criteria: Ambry Variant Classification Scheme 2023. Collection method: clinical testing. Allele origin: germline.

Labcorp Genetics (formerly Invitae), Labcorp
Classification: Uncertain significance for Fanconi anemia complementation group O. Last evaluated: 2025-04-08. Review status: criteria provided, single submitter. Criteria: Invitae Variant Classification Sherloc (09022015). Collection method: clinical testing. Allele origin: germline.
Comment: This sequence change replaces phenylalanine, which is neutral and non-polar, with leucine, which is neutral and non-polar, at codon 8 of the RAD51C protein (p.Phe8Leu). This variant is not present in population databases (gnomAD no frequency). This variant has not been reported in the literature in individuals affected with RAD51C-related conditions. ClinVar contains an entry for this variant (Variation ID: 142757). Invitae Evidence Modeling of protein sequence and biophysical properties (such as structural, functional, and spatial information, amino acid conservation, physicochemical variation, residue mobility, and thermodynamic stability) indicates that this missense variant is expected to disrupt RAD51C protein function with a positive predictive value of 95%. In summary, the available evidence is currently insufficient to determine the role of this variant in disease. Therefore, it has been classified as a Variant of Uncertain Significance.

Color Diagnostics, LLC DBA Color Health
Classification: Uncertain significance for Hereditary cancer-predisposing syndrome. Last evaluated: 2018-12-11. Review status: criteria provided, single submitter. Criteria: ACMG Guidelines, 2015. Collection method: clinical testing. Allele origin: germline.

Literature cited by the submitters: PubMed 28007021 (cited by Women's Health and Genetics/Laboratory Corporation of America, LabCorp).